The following is an entry in ClinVar:

NM_005529.7(HSPG2):c.11671+4C>T

Gene: HSPG2 (heparan sulfate proteoglycan 2; minus strand). Cytogenetic location: 1p36.12.
Variant type: single nucleotide variant.
Coding change: c.11671+4C>T on transcript NM_005529.7 (MANE Select); 4 bases into the intron after coding-DNA position 11671, C replaced by T.
Molecular consequence: intron variant.
Genome position (GRCh38, 1-based): chr1:21,830,978, G>A on the plus strand (C>T on the coding strand, the complement: HSPG2 is on the minus strand). VCF-style: chr1-21830978-G-A. GRCh37 (hg19) VCF-style: chr1-22157471-G-A.
Other names: c.11674+4C>T (NM_001291860.2).
Identifiers: ClinVar variation 1920613 (VCV001920613.4), dbSNP rs756052771, ClinGen allele CA669695.
Genomic context (GRCh38, chr1:21,830,978, plus strand): 5'-GGGGAGGCAGCAAAGGGAAGAGGCAGGCCCTGGGGCGACAGCGACTGGCGGTCGGGGTGC[G>A]TACCTGGATGGCAGTGCAGGGCCTGCGAGTGCTCACAGCGGCTCCCGGTGAAGCCAGCTG-3'

ClinVar aggregate classification (germline): Uncertain significance (1 of 4 stars; one submission).

Allele frequency attached by ClinVar (database versions not stated): TOPMed 0.00011.
gnomAD v4.1: 52 of 1,569,764 alleles (0.0033%); highest among the groups gnomAD compares: African/African-American, 0.023%; no homozygotes.

Submission:

Labcorp Genetics (formerly Invitae), Labcorp
Classification: Uncertain significance. Last evaluated: 2022-09-01. Review status: criteria provided, single submitter. Criteria: Invitae Variant Classification Sherloc (09022015). Collection method: clinical testing. Allele origin: germline.
Comment: In summary, the available evidence is currently insufficient to determine the role of this variant in disease. Therefore, it has been classified as a Variant of Uncertain Significance. Variants that disrupt the consensus splice site are a relatively common cause of aberrant splicing (PMID: 17576681, 9536098). Algorithms developed to predict the effect of sequence changes on RNA splicing suggest that this variant is not likely to affect RNA splicing. This sequence change falls in intron 85 of the HSPG2 gene. It does not directly change the encoded amino acid sequence of the HSPG2 protein. It affects a nucleotide within the consensus splice site. The frequency data for this variant in the population databases is considered unreliable, as metrics indicate poor data quality at this position in the gnomAD database. This variant has not been reported in the literature in individuals affected with HSPG2-related conditions.

Literature cited by the submitters: PubMed 17576681; PubMed 9536098.